The following is an entry in ClinVar:

ClinVar aggregate classification (germline): Conflicting classifications of pathogenicity. Review status: criteria provided, conflicting classifications (1 of 4 stars). 5 submissions from 5 submitters: Uncertain significance (3); Likely benign (1). 1 of the submissions does not count toward it. Last evaluated 2025-01-30.

Conditions:
Retinal dystrophy. Also called: Inherited retinal dystrophy. Identifiers: Orphanet 71862, MedGen C0854723, MeSH D058499, MONDO:0019118, HP:0000556.
Cone-rod dystrophy 6 (CORD6). Also called: Cone dystrophy progressive; RETINAL CONE DYSTROPHY 2. Identifiers: Orphanet 1872, MedGen C1866293, MONDO:0011143, OMIM 601777.
Leber congenital amaurosis 1 (LCA1). Also called: RETINAL BLINDNESS, CONGENITAL; AMAUROSIS CONGENITA OF LEBER I; Congenital absence of the rods and cones; Leber's congenital tapetoretinal degeneration; Leber's congenital tapetoretinal dysplasia. Identifiers: Orphanet 65, MedGen C2931258, MONDO:0008764, OMIM 204000.
Choroidal dystrophy, central areolar, 1. Identifiers: Orphanet 75377, MedGen C4551884, MONDO:0024539, OMIM 215500.
Night blindness, congenital stationary, type1i. Also called: NIGHT BLINDNESS, CONGENITAL STATIONARY, TYPE 1I. Identifiers: MedGen C5231408, MONDO:0032811, OMIM 618555.

Allele frequency attached by ClinVar (database versions not stated): ESP Exome Variant Server 0.00008; gnomAD exomes 0.00018 and 0.00023; ExAC 0.00019; gnomAD 0.00020 and 0.00021; TOPMed 0.00022; 1000 Genomes Project 30x 0.00031; 1000 Genomes Project 0.00040.
gnomAD v4.1: 285 of 1,614,112 alleles (0.018%); highest among the groups gnomAD compares: Admixed American, 0.067%; no homozygotes.

Submissions (5):

Labcorp Genetics (formerly Invitae), Labcorp
Classification: Uncertain significance for Leber congenital amaurosis 1; Cone-rod dystrophy 6. Last evaluated: 2025-01-30. Review status: criteria provided, single submitter. Criteria: Invitae Variant Classification Sherloc (09022015). Collection method: clinical testing. Allele origin: germline.
Comment: This sequence change replaces valine, which is neutral and non-polar, with methionine, which is neutral and non-polar, at codon 662 of the GUCY2D protein (p.Val662Met). This variant is present in population databases (rs143585840, gnomAD 0.07%). This variant has not been reported in the literature in individuals affected with GUCY2D-related conditions. ClinVar contains an entry for this variant (Variation ID: 839085). Invitae Evidence Modeling of protein sequence and biophysical properties (such as structural, functional, and spatial information, amino acid conservation, physicochemical variation, residue mobility, and thermodynamic stability) indicates that this missense variant is not expected to disrupt GUCY2D protein function with a negative predictive value of 80%. In summary, the available evidence is currently insufficient to determine the role of this variant in disease. Therefore, it has been classified as a Variant of Uncertain Significance.

Blueprint Genetics
Classification: Likely benign. Last evaluated: 2024-10-21. Review status: criteria provided, single submitter. Criteria: ACMG Guidelines, 2015. Collection method: clinical testing. Allele origin: germline.

3billion
Classification: Uncertain significance for Night blindness, congenital stationary, type1i. Last evaluated: 2022-05-22. Review status: criteria provided, single submitter. Criteria: ACMG Guidelines, 2015. Collection method: clinical testing. Allele origin: germline. Affected: yes. Observed: 1 heterozygote.
Comment: The variant is observed at an extremely low frequency in the gnomAD v2.1.1 dataset (total allele frequency: 0.022%). In silico tool predictions suggest no damaging effect of the variant on gene or gene product (REVEL: 0.20; 3Cnet: 0.02). Therefore, this variant is classified as uncertain significanceaccording to the recommendation of ACMG/AMP guideline.

Fulgent Genetics
Classification: Uncertain significance for Leber congenital amaurosis 1; Choroidal dystrophy, central areolar, 1; Cone-rod dystrophy 6; Night blindness, congenital stationary, type1i. Last evaluated: 2021-07-25. Review status: criteria provided, single submitter. Criteria: ACMG Guidelines, 2015. Collection method: clinical testing. Allele origin: unknown.

Institute of Human Genetics, Univ. Regensburg, Univ. Regensburg
Classification: Uncertain significance for Retinal dystrophy. Last evaluated: 2023-01-01. Review status: no assertion criteria provided. Criteria: ACMG Guidelines, 2015. Collection method: clinical testing. Allele origin: germline. Affected: yes. Not counted in ClinVar's aggregate classification.

NM_000180.4(GUCY2D):c.1984G>A (p.Val662Met)

Gene: GUCY2D (guanylate cyclase 2D, retinal; plus strand). Cytogenetic location: 17p13.1.
Variant type: single nucleotide variant.
Coding change: c.1984G>A on transcript NM_000180.4 (MANE Select); coding-DNA position 1984, G replaced by A.
Protein change: p.Val662Met; replaces valine 662 with methionine.
Molecular consequence: missense variant.
Genome position (GRCh38, 1-based): chr17:8,012,477, G>A. VCF-style: chr17-8012477-G-A. GRCh37 (hg19) VCF-style: chr17-7915795-G-A.
Other names: short protein forms V662M.
Identifiers: ClinVar variation 839085 (VCV000839085.10), dbSNP rs143585840, ClinGen allele CA8365962.